The following is an entry in ClinVar:

NM_000834.5(GRIN2B):c.1937_1942dup (p.Thr647_Ala648insAspThr)

Gene: GRIN2B (glutamate ionotropic receptor NMDA type subunit 2B; minus strand). Cytogenetic location: 12p13.1.
Variant type: Duplication.
Coding change: c.1937_1942dup on transcript NM_000834.5 (MANE Select); coding-DNA positions 1937 to 1942, 6 bases duplicated (ACACTG; older notation c.1937_1942dupACACTG).
Protein change: p.Thr647_Ala648insAspThr.
Genome position (GRCh38, 1-based): chr12:13,608,671-13,608,676, CAGTGT duplicated on the plus strand (ACACTG on the coding strand, the reverse complement: GRIN2B is on the minus strand). VCF-style (leftmost placement, unchanged base first): chr12-13608670-G-GCAGTGT. GRCh37 (hg19) VCF-style: chr12-13761604-G-GCAGTGT.
Other names: c.1937_1942dup, p.Thr647_Ala648insAspThr (NM_001413992.1).
Identifiers: ClinVar variation 3359484 (VCV003359484.1).
Genomic context (GRCh38, chr12:13,608,670, plus strand): 5'-TCGCTCAGGCCAGAAACCTGGTCCACATATTCCTCTTGGATCATGAAGGCAGCTAAGTTG[G>GCAGTGT]CAGTGTAGCTGGCCAGGAAGATGACAGCAAAGAAGGCCCACACTGACACCATGATCTTGG-3'

ClinVar aggregate classification (germline): Uncertain significance (1 of 4 stars; one submission).

Submission:

GeneDx
Classification: Uncertain significance. Last evaluated: 2023-06-04. Review status: criteria provided, single submitter. Criteria: GeneDx Variant Classification Process June 2021. Collection method: clinical testing. Allele origin: germline. Affected: yes.
Comment: Not observed at significant frequency in large population cohorts (gnomAD); In-frame insertion of 2 amino acids in a non-repeat region; Has not been previously published as pathogenic or benign to our knowledge